The following is an entry in ClinVar:

ClinVar aggregate classification (germline): Likely pathogenic (1 of 4 stars; one submission).

Conditions:
Nemaline myopathy 2 (NEM2). Also called: Nemaline myopathy 2, autosomal recessive. Identifiers: MedGen C1850569, MONDO:0009725, OMIM 256030.

Submission:

Labcorp Genetics (formerly Invitae), Labcorp
Classification: Likely pathogenic for Nemaline myopathy 2. Last evaluated: 2023-07-11. Review status: criteria provided, single submitter. Criteria: Invitae Variant Classification Sherloc (09022015). Collection method: clinical testing. Allele origin: unknown.
Comment: In summary, the currently available evidence indicates that the variant is pathogenic, but additional data are needed to prove that conclusively. Therefore, this variant has been classified as Likely Pathogenic. This variant has not been reported in the literature in individuals affected with NEB-related conditions. This variant results in the deletion of part of exon 155 and exon 156 (c.22586_22800+219delinsGC) of the NEB gene. It is expected to disrupt RNA splicing. Variants that disrupt the donor or acceptor splice site typically lead to a loss of protein function (PMID: 16199547), and loss-of-function variants in NEB are known to be pathogenic (PMID: 25205138).

Literature cited by the submitters: PubMed 16199547; PubMed 25205138.

NC_000002.11:g.(?_152375260)_(152376281_?)del

Gene: NEB (nebulin; minus strand). Cytogenetic location: 2q23.3.
Variant type: Deletion.
Identifiers: ClinVar variation 3247266 (VCV003247266.1).